The following is an entry in ClinVar:

ClinVar aggregate classification (germline): Uncertain significance. Review status: criteria provided, multiple submitters, no conflicts (2 of 4 stars). 3 submissions from 3 submitters: Uncertain significance (2). 1 of the submissions does not count toward it. Last evaluated 2026-01-13.

Conditions:
Duchenne muscular dystrophy (DMD). Also called: Duchenne Muscular Dystrophy (DMD); MUSCULAR DYSTROPHY, PSEUDOHYPERTROPHIC PROGRESSIVE, DUCHENNE TYPE. Identifiers: Orphanet 98896, MedGen C0013264, MONDO:0010679, OMIM 310200.
Dystrophin deficiency.

Allele frequency attached by ClinVar (database versions not stated): gnomAD exomes 0.00001; TOPMed 0.00001.

Submissions (3):

Labcorp Genetics (formerly Invitae), Labcorp
Classification: Uncertain significance for Duchenne muscular dystrophy. Last evaluated: 2026-01-13. Review status: criteria provided, single submitter. Criteria: Invitae Variant Classification Sherloc (09022015). Collection method: clinical testing. Allele origin: germline.
Comment: This sequence change replaces glutamine, which is neutral and polar, with arginine, which is basic and polar, at codon 2269 of the DMD protein (p.Gln2269Arg). This variant is not present in population databases (gnomAD no frequency). This variant has not been reported in the literature in individuals affected with DMD-related conditions. ClinVar contains an entry for this variant (Variation ID: 839927). Invitae Evidence Modeling of protein sequence and biophysical properties (such as structural, functional, and spatial information, amino acid conservation, physicochemical variation, residue mobility, and thermodynamic stability) indicates that this missense variant is not expected to disrupt DMD protein function with a negative predictive value of 95%. In summary, the available evidence is currently insufficient to determine the role of this variant in disease. Therefore, it has been classified as a Variant of Uncertain Significance.

Revvity Omics, Revvity
Classification: Uncertain significance. Last evaluated: 2021-07-06. Review status: criteria provided, single submitter. Criteria: ACMG Guidelines, 2015. Collection method: clinical testing. Allele origin: germline.

Natera, Inc.
Classification: Uncertain significance for Dystrophin deficiency. Last evaluated: 2020-09-16. Review status: no assertion criteria provided. Collection method: clinical testing. Allele origin: germline. Not counted in ClinVar's aggregate classification.

NM_004006.3(DMD):c.6806A>G (p.Gln2269Arg)

Gene: DMD (dystrophin; minus strand). Cytogenetic location: Xp21.1.
Variant type: single nucleotide variant.
Coding change: c.6806A>G on transcript NM_004006.3 (MANE Select); coding-DNA position 6806, A replaced by G.
Protein change: p.Gln2269Arg; replaces glutamine 2269 with arginine.
Molecular consequence: missense variant. On other transcripts: 5 prime UTR variant (5).
Genome position (GRCh38, 1-based): chrX:31,929,702, T>C on the plus strand (A>G on the coding strand, the complement: DMD is on the minus strand). VCF-style: chrX-31929702-T-C. GRCh37 (hg19) VCF-style: chrX-31947819-T-C.
Other names: c.6782A>G, p.Gln2261Arg (NM_000109.4); c.6794A>G, p.Gln2265Arg (NM_004009.3); c.6437A>G, p.Gln2146Arg (NM_004010.3); c.2783A>G, p.Gln928Arg (NM_004011.4); c.2774A>G, p.Gln925Arg (NM_004012.4); c.-575A>G (NM_004013.3, NM_004020.4, NM_004021.3 and 2 more transcripts); short protein forms Q2265R, Q925R, Q928R, Q2269R, Q2146R, Q2261R.
Identifiers: ClinVar variation 839927 (VCV000839927.8), dbSNP rs2094829116, ClinGen allele CA412657982.